The following is an entry in ClinVar:

ClinVar aggregate classification (germline): Pathogenic (1 of 4 stars; one submission).

Submission:

Labcorp Genetics (formerly Invitae), Labcorp
Classification: Pathogenic. Last evaluated: 2020-02-24. Review status: criteria provided, single submitter. Criteria: Invitae Variant Classification Sherloc (09022015). Collection method: clinical testing. Allele origin: germline.
Comment: For these reasons, this variant has been classified as Pathogenic. This variant disrupts the C-terminus of the RUNX2 protein. Other variant(s) that disrupt this region (p.Val517Glyfs*61) have been determined to be pathogenic (PMID: 16140555). This suggests that variants that disrupt this region of the protein are likely to be causative of disease. Experimental studies and prediction algorithms are not available or were not evaluated, and the functional significance of this variant is currently unknown. This variant has not been reported in the literature in individuals with RUNX2-related conditions. This variant is a gross deletion of the genomic region encompassing exon 9 of the RUNX2 gene. The 5' boundary is likely confined to intron 8. The 3' end of this event is unknown as it extends through the termination codon beyond the assayed region for this gene and may encompass additional genes. While this deletion is not anticipated to result in nonsense mediated decay, it is expected to create a truncated protein product or disrupt mRNA translation.

Literature cited by the submitters: PubMed 16140555.

NC_000006.11:g.(?_45514554)_(45515042_?)del

Gene: RUNX2 (RUNX family transcription factor 2; plus strand). Cytogenetic location: 6p21.1.
Variant type: Deletion.
Identifiers: ClinVar variation 1075908 (VCV001075908.7).